The following is an entry in ClinVar:

ClinVar aggregate classification (germline): Uncertain significance (1 of 4 stars; one submission).

Conditions:
Hereditary cancer-predisposing syndrome. Also called: Neoplastic Syndromes, Hereditary; Tumor predisposition; Hereditary Cancer Syndrome; Hereditary neoplastic syndrome. Identifiers: Orphanet 140162, MedGen C0027672, MeSH D009386, MONDO:0015356.

Submission:

Ambry Genetics
Classification: Uncertain significance for Hereditary cancer-predisposing syndrome. Last evaluated: 2024-08-07. Review status: criteria provided, single submitter. Criteria: Ambry Variant Classification Scheme 2023. Collection method: clinical testing. Allele origin: germline.
Comment: The p.S1007F variant (also known as c.3020C>T), located in coding exon 18 of the PTCH1 gene, results from a C to T substitution at nucleotide position 3020. The serine at codon 1007 is replaced by phenylalanine, an amino acid with highly dissimilar properties. This amino acid position is conserved. In addition, this alteration is predicted to be tolerated by in silico analysis. Based on the available evidence, the clinical significance of this variant remains unclear.

NM_000264.5(PTCH1):c.3020C>T (p.Ser1007Phe)

Gene: PTCH1 (patched 1; minus strand). Cytogenetic location: 9q22.32.
Variant type: single nucleotide variant.
Coding change: c.3020C>T on transcript NM_000264.5 (MANE Select); coding-DNA position 3020, C replaced by T.
Protein change: p.Ser1007Phe; replaces serine 1007 with phenylalanine.
Molecular consequence: missense variant. On other transcripts: non-coding transcript variant (1).
Genome position (GRCh38, 1-based): chr9:95,458,161, G>A on the plus strand (C>T on the coding strand, the complement: PTCH1 is on the minus strand). VCF-style: chr9-95458161-G-A. GRCh37 (hg19) VCF-style: chr9-98220443-G-A.
Other names: c.2822C>T, p.Ser941Phe (NM_001083602.3); c.3017C>T, p.Ser1006Phe (NM_001083603.3); c.2567C>T, p.Ser856Phe (NM_001083604.3, NM_001083605.3, NM_001083606.3 and 1 more transcripts); c.2864C>T, p.Ser955Phe (NM_001354918.2); short protein forms S941F, S1006F, S856F, S955F, S1007F.
Identifiers: ClinVar variation 3427255 (VCV003427255.1).